The following is an entry in ClinVar:

ClinVar aggregate classification (germline): Uncertain significance. Review status: criteria provided, multiple submitters, no conflicts (2 of 4 stars). 3 submissions from 3 submitters: Uncertain significance (3). Last evaluated 2025-08-11.

Conditions:
Norman-Roberts syndrome (LIS2). Also called: Lissencephaly 2 (Norman-Roberts type). Identifiers: Orphanet 89844, MedGen C0796089, MONDO:0009760, OMIM 257320.
Familial temporal lobe epilepsy 7. Identifiers: Orphanet 101046, MedGen C4225327, MONDO:0014639, OMIM 616436.
Inborn genetic diseases. Identifiers: MedGen C0950123, MeSH D030342.
Epilepsy, familial temporal lobe, 1. Identifiers: Orphanet 101046, MedGen CN030884, MONDO:0700090, OMIM 600512.

Allele frequency attached by ClinVar (database versions not stated): gnomAD 0.00001; gnomAD exomes 0.00001 and 0.00003; ExAC 0.00002; TOPMed 0.00002.
gnomAD v4.1: 39 of 1,613,902 alleles (0.0024%); highest among the groups gnomAD compares: Non-Finnish European, 0.0033%; no homozygotes.

Submissions (3):

Ambry Genetics
Classification: Uncertain significance for Inborn genetic diseases. Last evaluated: 2025-08-11. Review status: criteria provided, single submitter. Criteria: Ambry Variant Classification Scheme 2023. Collection method: clinical testing. Allele origin: germline.

Labcorp Genetics (formerly Invitae), Labcorp
Classification: Uncertain significance for Familial temporal lobe epilepsy 7; Norman-Roberts syndrome. Last evaluated: 2025-02-19. Review status: criteria provided, single submitter. Criteria: Invitae Variant Classification Sherloc (09022015). Collection method: clinical testing. Allele origin: germline.
Comment: This sequence change replaces tyrosine, which is neutral and polar, with aspartic acid, which is acidic and polar, at codon 1793 of the RELN protein (p.Tyr1793Asp). This variant is present in population databases (rs760957004, gnomAD 0.003%). This variant has not been reported in the literature in individuals affected with RELN-related conditions. ClinVar contains an entry for this variant (Variation ID: 1025539). Invitae Evidence Modeling of protein sequence and biophysical properties (such as structural, functional, and spatial information, amino acid conservation, physicochemical variation, residue mobility, and thermodynamic stability) indicates that this missense variant is not expected to disrupt RELN protein function with a negative predictive value of 80%. In summary, the available evidence is currently insufficient to determine the role of this variant in disease. Therefore, it has been classified as a Variant of Uncertain Significance.

Fulgent Genetics
Classification: Uncertain significance for Norman-Roberts syndrome; Epilepsy, familial temporal lobe, 1; Familial temporal lobe epilepsy 7. Last evaluated: 2022-01-18. Review status: criteria provided, single submitter. Criteria: ACMG Guidelines, 2015. Collection method: clinical testing. Allele origin: unknown.

NM_005045.4(RELN):c.5377T>G (p.Tyr1793Asp)

Gene: RELN (reelin; minus strand). Cytogenetic location: 7q22.1.
Variant type: single nucleotide variant.
Coding change: c.5377T>G on transcript NM_005045.4 (MANE Select); coding-DNA position 5377, T replaced by G.
Protein change: p.Tyr1793Asp; replaces tyrosine 1793 with aspartic acid.
Molecular consequence: missense variant.
Genome position (GRCh38, 1-based): chr7:103,561,684, A>C on the plus strand (T>G on the coding strand, the complement: RELN is on the minus strand). VCF-style: chr7-103561684-A-C. GRCh37 (hg19) VCF-style: chr7-103202131-A-C.
Other names: c.5377T>G, p.Tyr1793Asp (NM_173054.3); c.5377T>G (NM_005045.3); short protein forms Y1793D.
Identifiers: ClinVar variation 1025539 (VCV001025539.11), dbSNP rs760957004, ClinGen allele CA4421217.